The following is an entry in ClinVar:

ClinVar aggregate classification (germline): Likely benign (0 of 4 stars; one submission).

Conditions:
PLXNA4-related disorder. Also called: PLXNA4-related condition.

gnomAD v4.1: 1 of 1,613,896 alleles (0.000062%); no homozygotes.

Submission:

PreventionGenetics, part of Exact Sciences
Classification: Likely benign for PLXNA4-related condition. Last evaluated: 2023-02-16. Review status: no assertion criteria provided. Collection method: clinical testing. Allele origin: germline.
Comment: This variant is classified as likely benign based on ACMG/AMP sequence variant interpretation guidelines (Richards et al. 2015 PMID: 25741868, with internal and published modifications).

NM_020911.2(PLXNA4):c.5439-6C>G

Gene: PLXNA4 (plexin A4; minus strand). Cytogenetic location: 7q32.3.
Variant type: single nucleotide variant.
Coding change: c.5439-6C>G on transcript NM_020911.2 (MANE Select); 6 bases into the intron before coding-DNA position 5439, C replaced by G.
Molecular consequence: intron variant.
Genome position (GRCh38, 1-based): chr7:132,133,205, G>C on the plus strand (C>G on the coding strand, the complement: PLXNA4 is on the minus strand). VCF-style: chr7-132133205-G-C. GRCh37 (hg19) VCF-style: chr7-131817964-G-C.
Other names: c.5439-6C>G (NM_001393897.1).
Identifiers: ClinVar variation 3356387 (VCV003356387.1).
Genomic context (GRCh38, chr7:132,133,205, plus strand): 5'-TGCGTTCATGTCTTGGTCGCTGATGGCTGGCATCTTCCCTATGTCTGAGTAATACCTGTG[G>C]AGGGATGGAAATAGGGAGAAGCTGAAGTCGTGCATACGGAGTAGAGGAGAGATGGATGCT-3'